The following is an entry in ClinVar:

ClinVar aggregate classification (germline): Pathogenic (1 of 4 stars; one submission).

Conditions:
Recessive dystrophic epidermolysis bullosa (RDEB). Also called: DYSTROPHIC EPIDERMOLYSIS BULLOSA, AUTOSOMAL RECESSIVE; EPIDERMOLYSIS BULLOSA DYSTROPHICA, HALLOPEAU-SIEMENS TYPE; Hallopeau-Siemens Disease; severe generalized recessive dystrophic epidermolysis bullosa; EPIDERMOLYSIS BULLOSA DYSTROPHICA, GENERALIZED SEVERE, AUTOSOMAL RECESSIVE; Epidermolysis Bullosa Distrophica Autosomal Recessive (RDEB). Identifiers: Orphanet 79408, Orphanet 79409, MedGen C0079474, MONDO:0009179, OMIM 226600.

Submission:

Myriad Genetics, Inc.
Classification: Pathogenic for Recessive dystrophic epidermolysis bullosa. Last evaluated: 2025-11-10. Review status: criteria provided, single submitter. Criteria: Myriad Autosomal Dominant, Autosomal Recessive and X-Linked Classification Criteria (2023). Collection method: clinical testing. Allele origin: unknown.
Comment: NM_000094.3(COL7A1):c.2928G>A(W976*) is expected to be pathogenic in the context of dystrophic epidermolysis bullosa. This variant is predicted to lead to an abnormal or absent protein product due to the creation of a premature termination codon in COL7A1, a gene where loss-of-function variants are known to be pathogenic. Please note: this variant was assessed in the context of healthy population screening.

NM_000094.4(COL7A1):c.2928G>A (p.Trp976Ter)

Gene: COL7A1 (collagen type VII alpha 1 chain; minus strand). Cytogenetic location: 3p21.31.
Variant type: single nucleotide variant.
Coding change: c.2928G>A on transcript NM_000094.4 (MANE Select); coding-DNA position 2928, G replaced by A.
Protein change: p.Trp976Ter; replaces tryptophan 976 with a stop codon.
Molecular consequence: nonsense.
Genome position (GRCh38, 1-based): chr3:48,587,484, C>T on the plus strand (G>A on the coding strand, the complement: COL7A1 is on the minus strand). VCF-style: chr3-48587484-C-T. GRCh37 (hg19) VCF-style: chr3-48624917-C-T.
Other names: short protein forms W976*.
Identifiers: ClinVar variation 5015190 (VCV005015190.1).
Genomic context (GRCh38, chr3:48,587,484, plus strand): 5'-GCCAGGGCCTCTGAGTGGCCGCCAGGATAGGATGTAGCTGGATGCCCTGGACACTGGAGT[C>T]CAGGCCAAAGTCACCGAGTCGATCGAGGTGTCCACCACACGTAGTTCAATGCTTGGAACA-3'